The following is an entry in ClinVar:

ClinVar aggregate classification (germline): Uncertain significance. Review status: criteria provided, multiple submitters, no conflicts (2 of 4 stars). 2 submissions from 2 submitters: Uncertain significance (2). Last evaluated 2023-11-03.

Conditions:
Hereditary cancer-predisposing syndrome. Also called: Tumor predisposition; Neoplastic Syndromes, Hereditary; Hereditary Cancer Syndrome; Hereditary neoplastic syndrome. Identifiers: Orphanet 140162, MedGen C0027672, MeSH D009386, MONDO:0015356.
Haddad syndrome (OHD). Also called: Ondine-Hirschsprung disease. Identifiers: Orphanet 99803, MedGen C1859049, MONDO:0020493.

Allele frequency attached by ClinVar (database versions not stated): TOPMed below 0.00001.

Submissions (2):

Ambry Genetics
Classification: Uncertain significance for Hereditary cancer-predisposing syndrome. Last evaluated: 2023-11-03. Review status: criteria provided, single submitter. Criteria: Ambry Variant Classification Scheme 2023. Collection method: clinical testing. Allele origin: germline.
Comment: The p.A210P variant (also known as c.628G>C), located in coding exon 3 of the PHOX2B gene, results from a G to C substitution at nucleotide position 628. The alanine at codon 210 is replaced by proline, an amino acid with highly similar properties. This amino acid position is conserved. In addition, this alteration is predicted to be tolerated by in silico analysis. Since supporting evidence is limited at this time, the clinical significance of this alteration remains unclear.

Labcorp Genetics (formerly Invitae), Labcorp
Classification: Uncertain significance for Haddad syndrome. Last evaluated: 2023-05-25. Review status: criteria provided, single submitter. Criteria: Invitae Variant Classification Sherloc (09022015). Collection method: clinical testing. Allele origin: germline.
Comment: This variant has not been reported in the literature in individuals affected with PHOX2B-related conditions. This variant is not present in population databases (gnomAD no frequency). This sequence change replaces alanine, which is neutral and non-polar, with proline, which is neutral and non-polar, at codon 210 of the PHOX2B protein (p.Ala210Pro). Advanced modeling of protein sequence and biophysical properties (such as structural, functional, and spatial information, amino acid conservation, physicochemical variation, residue mobility, and thermodynamic stability) performed at Invitae indicates that this missense variant is not expected to disrupt PHOX2B protein function. In summary, the available evidence is currently insufficient to determine the role of this variant in disease. Therefore, it has been classified as a Variant of Uncertain Significance.

NM_003924.4(PHOX2B):c.628G>C (p.Ala210Pro)

Gene: PHOX2B (paired like homeobox 2B; minus strand). Cytogenetic location: 4p13.
Variant type: single nucleotide variant.
Coding change: c.628G>C on transcript NM_003924.4 (MANE Select); coding-DNA position 628, G replaced by C.
Protein change: p.Ala210Pro; replaces alanine 210 with proline.
Molecular consequence: missense variant.
Genome position (GRCh38, 1-based): chr4:41,746,124, C>G on the plus strand (G>C on the coding strand, the complement: PHOX2B is on the minus strand). VCF-style: chr4-41746124-C-G. GRCh37 (hg19) VCF-style: chr4-41748141-C-G.
Other names: short protein forms A210P.
Identifiers: ClinVar variation 2839105 (VCV002839105.4), dbSNP rs1328007546, ClinGen allele CA356737630.
Genomic context (GRCh38, chr4:41,746,124, plus strand): 5'-CGGGCCCCGCCGCCCCCGGAGCTCCAGCCGGGCTGGGCCCGCCGCCGCCGCCTCCATTCG[C>G]CCCGCAGCTGGGGGTGGGGTTGGGATTGGGACCTGGGCCCCCAGTGCTGTCCGGGTCAGT-3'
Protein context (NP_003915.2, residues 200-220): PNPNPTPSCG[Ala210Pro]NGGGGGGPSP